The following is an entry in ClinVar:

NM_025114.4(CEP290):c.6628C>T (p.Arg2210Cys)

Gene: CEP290 (centrosomal protein 290; minus strand). Cytogenetic location: 12q21.32.
Variant type: single nucleotide variant.
Coding change: c.6628C>T on transcript NM_025114.4 (MANE Select); coding-DNA position 6628, C replaced by T.
Protein change: p.Arg2210Cys; replaces arginine 2210 with cysteine.
Molecular consequence: missense variant.
Genome position (GRCh38, 1-based): chr12:88,059,915, G>A on the plus strand (C>T on the coding strand, the complement: CEP290 is on the minus strand). VCF-style: chr12-88059915-G-A. GRCh37 (hg19) VCF-style: chr12-88453692-G-A.
Other names: short protein forms R2210C.
Identifiers: ClinVar variation 420090 (VCV000420090.60), dbSNP rs374852145, ClinGen allele CA6711462.
Genomic context (GRCh38, chr12:88,059,915, plus strand): 5'-TAAAATAAAAATCAAAAGTTATAATCAGTCATAAAAGTCATACTTTTTTAAGTTCTTTAC[G>A]AAGCCTTTCATTTTCAGCAATAATTTTTTCTGTGCCTTTGGTCTTGGATTCATAGTGCAT-3'
Protein context (NP_079390.3, residues 2200-2220): EKIIAENERL[Arg2210Cys]KELKKETDAA

ClinVar aggregate classification (germline): Uncertain significance. Review status: criteria provided, multiple submitters, no conflicts (2 of 4 stars). 12 submissions from 12 submitters: Uncertain significance (11). 1 of the submissions does not count toward it. Last evaluated 2026-07-16.

Conditions:
CEP290-related disorder. Also called: CEP290-related disorders; CEP290-related condition. Identifiers: MedGen CN239314.
Inborn genetic diseases. Identifiers: MedGen C0950123, MeSH D030342.
Meckel-Gruber syndrome. Also called: DYSENCEPHALIA SPLANCHNOCYSTICA; GRUBER SYNDROME; Dysencephalia splachnocystica. Identifiers: Orphanet 564, MedGen C0265215, MONDO:0018921.
Nephronophthisis. Also called: Juvenile Nephronophthisis. Identifiers: Orphanet 655, MedGen C0687120, MONDO:0019005, HP:0000090.
Joubert syndrome. Also called: JOUBERT-BOLTSHAUSER SYNDROME; Familial aplasia of the vermis. Identifiers: Orphanet 475, MedGen C5979921, MONDO:0018772.
Retinal dystrophy. Also called: Inherited retinal dystrophy. Identifiers: Orphanet 71862, MedGen C0854723, MeSH D058499, MONDO:0019118, HP:0000556.
Leber congenital amaurosis 10 (LCA10). Identifiers: Orphanet 65, MedGen C1857821, MONDO:0012723, OMIM 611755.
Meckel syndrome, type 4 (MKS4). Also called: MECKEL-GRUBER SYNDROME, TYPE 4. Identifiers: Orphanet 564, MedGen C1970161, MONDO:0012626, OMIM 611134.
Joubert syndrome 5 (JBTS5). Identifiers: Orphanet 2318, MedGen C1857780, MONDO:0012432, OMIM 610188.
Senior-Loken syndrome 6 (SLSN6). Identifiers: Orphanet 3156, MedGen C1857779, MONDO:0012433, OMIM 610189.
Bardet-Biedl syndrome 14 (BBS14). Identifiers: Orphanet 110, MedGen C2673874, MONDO:0014442, OMIM 615991.
Leber congenital amaurosis (LCA). Also called: Leber's amaurosis. Identifiers: Orphanet 65, MedGen C0339527, MeSH D057130, MONDO:0018998.

Allele frequency attached by ClinVar (database versions not stated): ESP Exome Variant Server 0.00009; gnomAD exomes 0.00017 and 0.00026; ExAC 0.00019; TOPMed 0.00019; 1000 Genomes Project 0.00020; gnomAD 0.00022 and 0.00024; 1000 Genomes Project 30x 0.00031.
gnomAD v4.1: 397 of 1,591,276 alleles (0.025%); highest among the groups gnomAD compares: Non-Finnish European, 0.032%; no homozygotes.

Submissions (12):

Ambry Genetics
Classification: Uncertain significance for Inborn genetic diseases. Last evaluated: 2026-07-16. Review status: criteria provided, single submitter. Criteria: Ambry Variant Classification Scheme 2023. Collection method: clinical testing. Allele origin: germline.
Comment: The c.6628C>T (p.R2210C) alteration is located in exon 48 (coding exon 47) of the CEP290 gene. This alteration results from a C to T substitution at nucleotide position 6628, causing the arginine (R) at amino acid position 2210 to be replaced by a cysteine (C). Based on data from gnomAD, the T allele has an overall frequency of 0.02% (50/252958) total alleles studied. The highest observed frequency was 0.042% (48/115018) of European (non-Finnish) alleles. Based on insufficient or conflicting evidence, the clinical significance of this alteration remains unclear.

PreventionGenetics, part of Exact Sciences
Classification: Uncertain significance for CEP290-related condition. Last evaluated: 2026-06-02. Review status: criteria provided, single submitter. Criteria: ACMG Guidelines, 2015. Collection method: clinical testing. Allele origin: germline.
Comment: The CEP290 c.6628C>T variant is predicted to result in the amino acid substitution p.Arg2210Cys. This variant has been reported in the heterozygous state in a fetus with Meckel syndrome; however, the fetus was compound heterozygous for loss of function variants in ciliopathy gene B9D1 (Family M456, Hopp et al. 2011. PubMed ID: 21493627). This variant is reported in 0.042% of alleles in individuals of European (non-Finnish) descent in gnomAD. At this time, the clinical significance of this variant is uncertain due to the absence of conclusive functional and genetic evidence.

Labcorp Genetics (formerly Invitae), Labcorp
Classification: Uncertain significance for Joubert syndrome; Meckel-Gruber syndrome; Nephronophthisis. Last evaluated: 2026-01-26. Review status: criteria provided, single submitter. Criteria: Invitae Variant Classification Sherloc (09022015). Collection method: clinical testing. Allele origin: germline.
Comment: This sequence change replaces arginine, which is basic and polar, with cysteine, which is neutral and slightly polar, at codon 2210 of the CEP290 protein (p.Arg2210Cys). This variant is present in population databases (rs374852145, gnomAD 0.04%). This missense change has been observed in individual(s) with Meckel syndrome (PMID: 21493627). ClinVar contains an entry for this variant (Variation ID: 420090). Invitae Evidence Modeling of protein sequence and biophysical properties (such as structural, functional, and spatial information, amino acid conservation, physicochemical variation, residue mobility, and thermodynamic stability) indicates that this missense variant is not expected to disrupt CEP290 protein function with a negative predictive value of 80%. In summary, the available evidence is currently insufficient to determine the role of this variant in disease. Therefore, it has been classified as a Variant of Uncertain Significance.

Blueprint Genetics
Classification: Uncertain significance. Last evaluated: 2024-11-07. Review status: criteria provided, single submitter. Criteria: ACMG Guidelines, 2015. Collection method: clinical testing. Allele origin: germline.

Fulgent Genetics
Classification: Uncertain significance for Joubert syndrome 5; Senior-Loken syndrome 6; Meckel syndrome, type 4; Leber congenital amaurosis 10; Bardet-Biedl syndrome 14. Last evaluated: 2024-02-05. Review status: criteria provided, single submitter. Criteria: ACMG Guidelines, 2015. Collection method: clinical testing. Allele origin: germline.

GeneDx
Classification: Uncertain significance. Last evaluated: 2024-01-25. Review status: criteria provided, single submitter. Criteria: GeneDx Variant Classification Process June 2021. Collection method: clinical testing. Allele origin: germline. Affected: yes.
Comment: Observed as a heterozygous variant in a fetus with posterior encephalocele, abnormal posterior fossa, multicystic dysplastic kidneys, club feet, shortened limbs and ambiguous genitalia who also harbored a splice site variant in the B9D1 gene; a second CEP290 variant was not identified (PMID: 21493627); In silico analysis supports that this missense variant has a deleterious effect on protein structure/function; This variant is associated with the following publications: (PMID: 21493627)

Women's Health and Genetics/Laboratory Corporation of America, LabCorp
Classification: Uncertain significance. Last evaluated: 2022-12-21. Review status: criteria provided, single submitter. Criteria: LabCorp Variant Classification Summary - May 2015. Collection method: clinical testing. Allele origin: germline.
Comment: Variant summary: CEP290 c.6628C>T (p.Arg2210Cys) results in a non-conservative amino acid change in the encoded protein sequence. Four of five in-silico tools predict a damaging effect of the variant on protein function. The variant allele was found at a frequency of 0.00017 in 221622 control chromosomes (gnomAD). c.6628C>T has been reported in the literature in at least one individual affected with Meckel syndrome, however, this individual also had compound heterozygous pathogenic variants in B9D1 (Hopp_2011). This report does not provide unequivocal conclusions about association of the variant with CEP290-Related Disorders. To our knowledge, no experimental evidence demonstrating an impact on protein function has been reported. Five ClinVar submitters (evaluation after 2014) have cited the variant, with all laboratories classifying the variant as uncertain significance. Based on the evidence outlined above, the variant was classified as uncertain significance.

Provincial Medical Genetics Program of British Columbia, University of British Columbia
Classification: Uncertain significance for Bardet-Biedl syndrome 14. Last evaluated: 2022-01-01. Review status: criteria provided, single submitter. Criteria: ACMG Guidelines, 2015. Collection method: clinical testing. Allele origin: germline. Affected: yes.

Institute of Human Genetics, Univ. Regensburg, Univ. Regensburg
Classification: Uncertain significance for Retinal dystrophy. Last evaluated: 2021-01-01. Review status: criteria provided, single submitter. Criteria: ACMG Guidelines, 2015. Collection method: clinical testing. Allele origin: germline. Affected: yes.

Revvity Omics, Revvity
Classification: Uncertain significance. Last evaluated: 2020-10-28. Review status: criteria provided, single submitter. Criteria: ACMG Guidelines, 2015. Collection method: clinical testing. Allele origin: germline.

CeGaT Center for Human Genetics Tuebingen
Classification: Uncertain significance. Last evaluated: 2018-05-01. Review status: criteria provided, single submitter. Criteria: CeGaT Center For Human Genetics Tuebingen Variant Classification Criteria Version 2. Collection method: clinical testing. Allele origin: germline. Affected: yes. Observed: 1 variant allele.

Natera, Inc.
Classification: Uncertain significance for Leber congenital amaurosis. Last evaluated: 2020-01-22. Review status: no assertion criteria provided. Collection method: clinical testing. Allele origin: germline. Not counted in ClinVar's aggregate classification.

Literature cited by the submitters: PubMed 21493627 (cited by 4 submitters).